The following is an entry in ClinVar:

ClinVar aggregate classification (germline): Pathogenic (1 of 4 stars; one submission).

Conditions:
Smith-Magenis syndrome (SMS). Also called: CHROMOSOME 17p11.2 DELETION SYNDROME. Identifiers: Orphanet 819, MedGen C0795864, MONDO:0008434, OMIM 182290.

Submission:

Greenwood Genetic Center Diagnostic Laboratories, Greenwood Genetic Center
Classification: Pathogenic for Smith-Magenis syndrome. Last evaluated: 2023-02-06. Review status: criteria provided, single submitter. Criteria: ACMG Guidelines, 2015. Collection method: clinical testing. Allele origin: germline. Affected: yes.
Comment: PVS1, PS2, PM2

NM_030665.4(RAI1):c.219_226del (p.Ala74fs)

Gene: RAI1 (retinoic acid induced 1; plus strand). Cytogenetic location: 17p11.2.
Variant type: Deletion.
Coding change: c.219_226del on transcript NM_030665.4 (MANE Select); coding-DNA positions 219 to 226, 8 bases deleted (GGCCGCCG; older notation c.219_226delGGCCGCCG).
Protein change: p.Ala74fs; shifts the reading frame from alanine 74.
Molecular consequence: frameshift variant.
Genome position (GRCh38, 1-based): chr17:17,793,167-17,793,174, GGCCGCCG deleted. VCF-style (leftmost placement, unchanged base first): chr17-17793166-TGGCCGCCG-T. GRCh37 (hg19) VCF-style: chr17-17696480-TGGCCGCCG-T.
Other names: short protein forms A74fs.
Identifiers: ClinVar variation 2505268 (VCV002505268.1), dbSNP rs2508567532, ClinGen allele CA2580614024.